The following is an entry in ClinVar:

ClinVar aggregate classification (germline): Uncertain significance (1 of 4 stars; one submission).

Allele frequency attached by ClinVar (database versions not stated): gnomAD exomes below 0.00001 and 0.00001; gnomAD 0.00001.
gnomAD v4.1: 11 of 1,613,600 alleles (0.00068%); highest among the groups gnomAD compares: African/African-American, 0.0013%; no homozygotes.

Submission:

Labcorp Genetics (formerly Invitae), Labcorp
Classification: Uncertain significance. Last evaluated: 2022-02-11. Review status: criteria provided, single submitter. Criteria: Invitae Variant Classification Sherloc (09022015). Collection method: clinical testing. Allele origin: germline.
Comment: This sequence change replaces arginine, which is basic and polar, with glutamine, which is neutral and polar, at codon 414 of the SLC25A12 protein (p.Arg414Gln). This variant is present in population databases (no rsID available, gnomAD 0.0009%). This variant has not been reported in the literature in individuals affected with SLC25A12-related conditions. ClinVar contains an entry for this variant (Variation ID: 1000351). Algorithms developed to predict the effect of missense changes on protein structure and function are either unavailable or do not agree on the potential impact of this missense change (SIFT: "Tolerated"; PolyPhen-2: "Probably Damaging"; Align-GVGD: "Class C0"). Algorithms developed to predict the effect of sequence changes on RNA splicing suggest that this variant may create or strengthen a splice site. In summary, the available evidence is currently insufficient to determine the role of this variant in disease. Therefore, it has been classified as a Variant of Uncertain Significance.

NM_003705.5(SLC25A12):c.1241G>A (p.Arg414Gln)

Gene: SLC25A12 (solute carrier family 25 member 12; minus strand). Cytogenetic location: 2q31.1.
Variant type: single nucleotide variant.
Coding change: c.1241G>A on transcript NM_003705.5 (MANE Select); coding-DNA position 1241, G replaced by A.
Protein change: p.Arg414Gln; replaces arginine 414 with glutamine.
Molecular consequence: missense variant. On other transcripts: non-coding transcript variant (1).
Genome position (GRCh38, 1-based): chr2:171,809,670, C>T on the plus strand (G>A on the coding strand, the complement: SLC25A12 is on the minus strand). VCF-style: chr2-171809670-C-T. GRCh37 (hg19) VCF-style: chr2-172666180-C-T.
Other names: short protein forms R414Q.
Identifiers: ClinVar variation 1000351 (VCV001000351.8), dbSNP rs1363559507, ClinGen allele CA349289878.
Genomic context (GRCh38, chr2:171,809,670, plus strand): 5'-CCTCCAGCAAGAACTTCTGCTGGAAGTGGAACAGAGCCATCTCTTCTGGTAAATTTGTCC[C>T]GAACAAAATCATTAACCTAATTAGAAAGACAACATCAGTTAACCAAAATTCCCAACCATT-3'
Protein context (NP_003696.2, residues 404-424): AIKLTVNDFV[Arg414Gln]DKFTRRDGSV